The following is an entry in ClinVar:

NM_000238.4(KCNH2):c.2243A>G (p.Lys748Arg)

Gene: KCNH2 (potassium voltage-gated channel subfamily H member 2; minus strand). Cytogenetic location: 7q36.1.
Variant type: single nucleotide variant.
Coding change: c.2243A>G on transcript NM_000238.4 (MANE Select); coding-DNA position 2243, A replaced by G.
Protein change: p.Lys748Arg; replaces lysine 748 with arginine.
Molecular consequence: missense variant. On other transcripts: non-coding transcript variant (2).
Genome position (GRCh38, 1-based): chr7:150,950,323, T>C on the plus strand (A>G on the coding strand, the complement: KCNH2 is on the minus strand). VCF-style: chr7-150950323-T-C. GRCh37 (hg19) VCF-style: chr7-150647411-T-C.
Other names: c.2066A>G, p.Lys689Arg (NM_001406755.1); c.1955A>G, p.Lys652Arg (NM_001406756.1, NM_001406753.1); c.1943A>G, p.Lys648Arg (NM_001406757.1); c.2243A>G, p.Lys748Arg (NM_172056.3); c.1223A>G, p.Lys408Arg (NM_172057.3, NM_001204798.2); short protein forms K648R, K748R, K408R, K689R, K652R.
Identifiers: ClinVar variation 2881592 (VCV002881592.4), dbSNP rs2486026247, ClinGen allele CA369856467.

ClinVar aggregate classification (germline): Uncertain significance. Review status: criteria provided, multiple submitters, no conflicts (2 of 4 stars). 2 submissions from 2 submitters: Uncertain significance (2). Last evaluated 2023-08-23.

Conditions:
Long QT syndrome (LQTS). Identifiers: MedGen C0023976, MeSH D008133, MONDO:0002442. Disease mechanism: loss of function. Inheritance: Various modes of inheritance.

Allele frequency attached by ClinVar (database versions not stated): gnomAD exomes below 0.00001.
gnomAD v4.1: 1 of 1,613,616 alleles (0.000062%); highest among the groups gnomAD compares: Admixed American, 0.0017%; no homozygotes.

Submissions (2):

All of Us Research Program, National Institutes of Health
Classification: Uncertain significance for Long QT syndrome. Last evaluated: 2023-08-23. Review status: criteria provided, single submitter. Criteria: ACMG Guidelines, 2015. Collection method: clinical testing. Allele origin: germline. Inheritance: Autosomal dominant inheritance. Observed: 1 variant allele, 1 heterozygote.
Comment: This missense variant replaces lysine with arginine at codon 748 of the KCNH2 protein. Computational prediction suggests that this variant may have deleterious impact on protein structure and function (internally defined REVEL score threshold >= 0.7, PMID: 27666373). To our knowledge, functional studies have not been reported for this variant. This variant has not been reported in individuals affected with KCNH2-related disorders in the literature. This variant has not been identified in the general population by the Genome Aggregation Database (gnomAD). The available evidence is insufficient to determine the role of this variant in disease conclusively. Therefore, this variant is classified as a Variant of Uncertain Significance.

This study involves interpretation of variants in research participants for the purpose of population health screening. Participant phenotype was not available at the time of variant classification. Additional details can be found in publication PMID: 35346344, PMCID: PMC8962531

Labcorp Genetics (formerly Invitae), Labcorp
Classification: Uncertain significance for Long QT syndrome. Last evaluated: 2023-06-08. Review status: criteria provided, single submitter. Criteria: Invitae Variant Classification Sherloc (09022015). Collection method: clinical testing. Allele origin: germline.
Comment: In summary, the available evidence is currently insufficient to determine the role of this variant in disease. Therefore, it has been classified as a Variant of Uncertain Significance. An algorithm developed to predict the effect of missense changes on protein structure and function (PolyPhen-2) suggests that this variant is likely to be disruptive. This variant has not been reported in the literature in individuals affected with KCNH2-related conditions. This variant is not present in population databases (gnomAD no frequency). This sequence change replaces lysine, which is basic and polar, with arginine, which is basic and polar, at codon 748 of the KCNH2 protein (p.Lys748Arg).